The following is an entry in ClinVar:

NM_025179.4(PLXNA2):c.3363T>A (p.Phe1121Leu)

Gene: PLXNA2 (plexin A2; minus strand). Cytogenetic location: 1q32.2.
Variant type: single nucleotide variant.
Coding change: c.3363T>A on transcript NM_025179.4 (MANE Select); coding-DNA position 3363, T replaced by A.
Protein change: p.Phe1121Leu; replaces phenylalanine 1121 with leucine.
Molecular consequence: missense variant.
Genome position (GRCh38, 1-based): chr1:208,046,010, A>T on the plus strand (T>A on the coding strand, the complement: PLXNA2 is on the minus strand). VCF-style: chr1-208046010-A-T. GRCh37 (hg19) VCF-style: chr1-208219355-A-T.
Other names: short protein forms F1121L.
Identifiers: ClinVar variation 4989558 (VCV004989558.1).

ClinVar aggregate classification (germline): Uncertain significance (1 of 4 stars; one submission).

Conditions:
PLXNA2-related disorder. Also called: PLXNA2-related condition.

gnomAD v4.1: 1 of 1,614,274 alleles (0.000062%); no homozygotes.

Submission:

PreventionGenetics, part of Exact Sciences
Classification: Uncertain significance for PLXNA2-related condition. Last evaluated: 2025-03-13. Review status: criteria provided, single submitter. Criteria: ACMG Guidelines, 2015. Collection method: clinical testing. Allele origin: germline.
Comment: The PLXNA2 c.3363T>A variant is predicted to result in the amino acid substitution p.Phe1121Leu. To our knowledge, this variant has not been reported in the literature or in a large population database (gnomAD), indicating this variant is rare. At this time, the clinical significance of this variant is uncertain due to the absence of conclusive functional and genetic evidence.